The following is an entry in ClinVar:

NM_000180.4(GUCY2D):c.61T>C (p.Trp21Arg)

Gene: GUCY2D (guanylate cyclase 2D, retinal; plus strand). Cytogenetic location: 17p13.1.
Variant type: single nucleotide variant.
Coding change: c.61T>C on transcript NM_000180.4 (MANE Select); coding-DNA position 61, T replaced by C.
Protein change: p.Trp21Arg; replaces tryptophan 21 with arginine.
Molecular consequence: missense variant.
Genome position (GRCh38, 1-based): chr17:8,003,108, T>C. VCF-style: chr17-8003108-T-C. GRCh37 (hg19) VCF-style: chr17-7906426-T-C.
Other names: NM_000180.4(GUCY2D):c.61T>C; short protein forms W21R.
Identifiers: ClinVar variation 92581 (VCV000092581.32), dbSNP rs9905402, ClinGen allele CA145844.
Genomic context (GRCh38, chr17:8,003,108, plus strand): 5'-ATGACCGCCTGCGCCCGCCGAGCGGGTGGGCTTCCGGACCCCGGGCTCTGCGGTCCCGCG[T>C]GGTGGGCTCCGTCCCTGCCCCGCCTCCCCCGGGCCCTGCCCCGGCTCCCGCTCCTGCTGC-3'
Protein context (NP_000171.1, residues 11-31): LPDPGLCGPA[Trp21Arg]WAPSLPRLPR

ClinVar aggregate classification (germline): Benign. Review status: reviewed by expert panel (3 of 4 stars). 9 submissions from 9 submitters: Benign (1). 8 of the submissions do not count toward it. Last evaluated 2025-01-30.

Conditions:
GUCY2D-related recessive retinopathy. Also called: Recessive GUCY2D retinopathy. Identifiers: MedGen CN305603, MONDO:0100453.
Cone-rod dystrophy 6 (CORD6). Also called: Cone dystrophy progressive; RETINAL CONE DYSTROPHY 2. Identifiers: Orphanet 1872, MedGen C1866293, MONDO:0011143, OMIM 601777.
Leber congenital amaurosis 1 (LCA1). Also called: RETINAL BLINDNESS, CONGENITAL; Congenital absence of the rods and cones; Leber's congenital tapetoretinal degeneration; Leber's congenital tapetoretinal dysplasia; AMAUROSIS CONGENITA OF LEBER I. Identifiers: Orphanet 65, MedGen C2931258, MONDO:0008764, OMIM 204000.

Allele frequency attached by ClinVar (database versions not stated): ExAC 0.09572; gnomAD 0.09880 and 0.09724; TOPMed 0.10155; 1000 Genomes Project 0.12260; gnomAD exomes 0.03322 and 0.04798; ESP Exome Variant Server 0.04393; 1000 Genomes Project 30x 0.12086.
gnomAD v4.1: 61,180 of 1,521,538 alleles (4%); highest among the groups gnomAD compares: African/African-American, 26%; 3,593 homozygotes.

Submissions (9):

ClinGen Leber Congenital Amaurosis/early Onset Retinal Dystrophy Variant Curation Expert Panel, ClinGen
Classification: Benign for GUCY2D-related recessive retinopathy. Last evaluated: 2025-01-30. Review status: reviewed by expert panel. Criteria: ClinGen LCAeoRD ACMG Specifications GUCY2D V1.0.0. Collection method: curation. Allele origin: germline. Inheritance: Autosomal recessive inheritance.
Comment: The NM_000180.4(GUCY2D):c.61T>C (p.Trp21Arg) variant is a missense variant predicted to replace the tryptophan at position p.21 with arginine. This variant is present in gnomAD v4.1.0 at a GrpMax allele frequency of 0.2550, with 18,276 alleles / 70,794 total alleles in the African/African American population, which is higher than the ClinGen LCA/eoRD VCEP BA1 threshold of >0.016 (BA1). This variant has been found in the homozygous state in 3,593 adult individuals in gnomAD v4.1.0, which exceeds the LCA/eoRD VCEP threshold of ≥6 (gnomAD version 4.1.0; BS2). The computational predictor REVEL gives a score of 0.141, which is below the ClinGen LCA/eoRD VCEP threshold of ≤0.183 and predicts a non-damaging effect on RetGC-1 protein function. In addition, the splicing impact predictor SpliceAI gives a delta score of 0.01 for acceptor gain, which is below the ClinGen LCA/eoRD VCEP recommended threshold of <0.1 and does not predict an impact on splicing (BP4_Moderate). The variant exhibited ~100% enzymatic activity in a guanylate cyclase assay relative to the wild-type control, which is higher than the ClinGen LCA/eoRD VCEP BS3_Supporting threshold of >50% activity, indicating that it does not trigger a severe defect in protein function, however, it lies in the signal peptide and may be considered ineligible for PS3 or BS3 due to incompatibility with in vitro activity assays (PMID: 11328726, Figure 1). In summary, this variant meets the criteria to be classified as benign for GUCY2D-related recessive retinopathy based on the ACMG/AMP criteria applied, as specified by the ClinGen LCA / eoRD VCEP: BA1, BS2, and BP4_Moderate. (VCEP specifications version 1.0.0; date of approval 01/22/2025).

Labcorp Genetics (formerly Invitae), Labcorp
Classification: Benign for Leber congenital amaurosis 1; Cone-rod dystrophy 6. Last evaluated: 2026-02-04. Review status: criteria provided, single submitter. Criteria: Invitae Variant Classification Sherloc (09022015). Collection method: clinical testing. Allele origin: germline. Not counted in ClinVar's aggregate classification.

ARUP Laboratories, Molecular Genetics and Genomics, ARUP Laboratories
Classification: Benign. Last evaluated: 2023-11-29. Review status: criteria provided, single submitter. Criteria: ARUP Molecular Germline Variant Investigation Process 2024. Collection method: clinical testing. Allele origin: germline. Not counted in ClinVar's aggregate classification.

GeneDx
Classification: Benign. Last evaluated: 2019-01-03. Review status: criteria provided, single submitter. Criteria: GeneDx Variant Classification Process June 2021. Collection method: clinical testing. Allele origin: germline. Affected: yes. Not counted in ClinVar's aggregate classification.
Comment: This variant is associated with the following publications: (PMID: 24066033, 27884173, 16123401, 20981092, 18055820, 15111605)

Eurofins Ntd Llc (ga)
Classification: Benign. Last evaluated: 2016-06-23. Review status: criteria provided, single submitter. Criteria: EGL Classification Definitions 2015. Collection method: clinical testing. Allele origin: germline. Observed: 23 variant alleles, 20 heterozygotes, 3 homozygotes. Not counted in ClinVar's aggregate classification.

Breakthrough Genomics
Classification: Benign. Review status: criteria provided, single submitter. Criteria: ACMG Guidelines, 2015. Collection method: not provided. Allele origin: germline. Inheritance: Autosomal recessive inheritance. Affected: yes. Not counted in ClinVar's aggregate classification.

PreventionGenetics, part of Exact Sciences
Classification: Benign. Review status: criteria provided, single submitter. Criteria: ACMG Guidelines, 2015. Collection method: clinical testing. Allele origin: germline. Not counted in ClinVar's aggregate classification.

Department of Ophthalmology and Visual Sciences Kyoto University
Classification: Likely benign. Review status: no assertion criteria provided. Collection method: not provided. Allele origin: unknown. Not counted in ClinVar's aggregate classification.
ClinVar note: Converted during submission from probable-non-pathogenic to Likely benign.

Retina International
No classification provided. Review status: no classification provided. Collection method: not provided. Allele origin: unknown. Not counted in ClinVar's aggregate classification.